The following is an entry in ClinVar:

NM_015102.5(NPHP4):c.494C>T (p.Pro165Leu)

Gene: NPHP4 (nephrocystin 4; minus strand). Cytogenetic location: 1p36.31.
Variant type: single nucleotide variant.
Coding change: c.494C>T on transcript NM_015102.5 (MANE Select); coding-DNA position 494, C replaced by T.
Protein change: p.Pro165Leu; replaces proline 165 with leucine.
Molecular consequence: missense variant. On other transcripts: 5 prime UTR variant (2), non-coding transcript variant (1).
Genome position (GRCh38, 1-based): chr1:5,967,322, G>A on the plus strand (C>T on the coding strand, the complement: NPHP4 is on the minus strand). VCF-style: chr1-5967322-G-A. GRCh37 (hg19) VCF-style: chr1-6027382-G-A.
Other names: c.-736C>T (NM_001291593.2); c.-873C>T (NM_001291594.2); c.494C>T (NM_015102.3); short protein forms P165L.
Identifiers: ClinVar variation 1046941 (VCV001046941.8), dbSNP rs750994795, ClinGen allele CA554832.

ClinVar aggregate classification (germline): Uncertain significance. Review status: criteria provided, multiple submitters, no conflicts (2 of 4 stars). 3 submissions from 3 submitters: Uncertain significance (3). Last evaluated 2025-04-19.

Conditions:
Nephronophthisis. Also called: Juvenile Nephronophthisis. Identifiers: Orphanet 655, MedGen C0687120, MONDO:0019005, HP:0000090.
Nephronophthisis 4 (NPHP4). Also called: NEPHRONOPHTHISIS 4, JUVENILE. Identifiers: Orphanet 655, MedGen C1847013, MONDO:0011752, OMIM 606966.
Senior-Loken syndrome 4 (SLSN4). Identifiers: Orphanet 3156, MedGen C1846979, MONDO:0011756, OMIM 606996.
Inborn genetic diseases. Identifiers: MedGen C0950123, MeSH D030342.

Allele frequency attached by ClinVar (database versions not stated): gnomAD exomes 0.00001 and 0.00002; TOPMed 0.00002; ExAC 0.00003; gnomAD 0.00003 and 0.00004.
gnomAD v4.1: 31 of 1,606,960 alleles (0.0019%); highest among the groups gnomAD compares: African/African-American, 0.008%; no homozygotes.

Submissions (3):

Ambry Genetics
Classification: Uncertain significance for Inborn genetic diseases. Last evaluated: 2025-04-19. Review status: criteria provided, single submitter. Criteria: Ambry Variant Classification Scheme 2023. Collection method: clinical testing. Allele origin: germline.

Labcorp Genetics (formerly Invitae), Labcorp
Classification: Uncertain significance for Nephronophthisis. Last evaluated: 2022-08-09. Review status: criteria provided, single submitter. Criteria: Invitae Variant Classification Sherloc (09022015). Collection method: clinical testing. Allele origin: germline.
Comment: This sequence change replaces proline, which is neutral and non-polar, with leucine, which is neutral and non-polar, at codon 165 of the NPHP4 protein (p.Pro165Leu). The frequency data for this variant in the population databases is considered unreliable, as metrics indicate poor data quality at this position in the gnomAD database. This variant has not been reported in the literature in individuals affected with NPHP4-related conditions. ClinVar contains an entry for this variant (Variation ID: 1046941). Algorithms developed to predict the effect of missense changes on protein structure and function are either unavailable or do not agree on the potential impact of this missense change (SIFT: "Deleterious"; PolyPhen-2: "Probably Damaging"; Align-GVGD: "Class C0"). In summary, the available evidence is currently insufficient to determine the role of this variant in disease. Therefore, it has been classified as a Variant of Uncertain Significance.

Fulgent Genetics
Classification: Uncertain significance for Nephronophthisis 4; Senior-Loken syndrome 4. Last evaluated: 2022-01-10. Review status: criteria provided, single submitter. Criteria: ACMG Guidelines, 2015. Collection method: clinical testing. Allele origin: unknown.